The following is an entry in ClinVar:

ClinVar aggregate classification (germline): Likely pathogenic (1 of 4 stars; one submission).

Conditions:
Congenital myotonia, autosomal dominant form (THD). Also called: THOMSEN DISEASE; Myotonia congenita autosomal dominant. Identifiers: Orphanet 614, MedGen C2936781, MONDO:0008055, OMIM 160800.

Submission:

MVZ Medizinische Genetik Mainz
Classification: Likely pathogenic for Congenital myotonia, autosomal dominant form. Last evaluated: 2022-12-13. Review status: criteria provided, single submitter. Criteria: UK Practice Guidelines For Variant Classification V4 01 2020. Collection method: clinical testing. Allele origin: germline. Inheritance: Autosomal dominant inheritance. Affected: yes. Observed: 1 variant allele.
Comment: ACMG Criteria: PVS1, PM2_SUP

NM_000083.3(CLCN1):c.2038A>T (p.Lys680Ter)

Genes: CLCN1 (chloride voltage-gated channel 1; plus strand), LOC123956257 (Sharpr-MPRA regulatory region 4117; plus strand). Cytogenetic location: 7q34.
Variant type: single nucleotide variant.
Coding change: c.2038A>T on transcript NM_000083.3 (MANE Select); coding-DNA position 2038, A replaced by T.
Protein change: p.Lys680Ter; replaces lysine 680 with a stop codon.
Molecular consequence: nonsense. On other transcripts: non-coding transcript variant (1).
Genome position (GRCh38, 1-based): chr7:143,345,628, A>T. VCF-style: chr7-143345628-A-T. GRCh37 (hg19) VCF-style: chr7-143042721-A-T.
Other names: short protein forms K680*.
Identifiers: ClinVar variation 3066123 (VCV003066123.1), dbSNP rs2485435041, ClinGen allele CA369650048.